The following is an entry in ClinVar:

NM_015450.3(POT1):c.1016A>C (p.Asp339Ala)

Gene: POT1 (protection of telomeres 1; minus strand). Cytogenetic location: 7q31.33.
Variant type: single nucleotide variant.
Coding change: c.1016A>C on transcript NM_015450.3 (MANE Select); coding-DNA position 1016, A replaced by C.
Protein change: p.Asp339Ala; replaces aspartic acid 339 with alanine.
Molecular consequence: missense variant. On other transcripts: non-coding transcript variant (3).
Genome position (GRCh38, 1-based): chr7:124,842,954, T>G on the plus strand (A>C on the coding strand, the complement: POT1 is on the minus strand). VCF-style: chr7-124842954-T-G. GRCh37 (hg19) VCF-style: chr7-124483008-T-G.
Other names: c.623A>C, p.Asp208Ala (NM_001042594.2); short protein forms D208A, D339A.
Identifiers: ClinVar variation 2565252 (VCV002565252.2), dbSNP rs2485402787, ClinGen allele CA369068631.

ClinVar aggregate classification (germline): Uncertain significance (1 of 4 stars; one submission).

Conditions:
Hereditary cancer-predisposing syndrome. Also called: Neoplastic Syndromes, Hereditary; Hereditary Cancer Syndrome; Hereditary neoplastic syndrome; Tumor predisposition. Identifiers: Orphanet 140162, MedGen C0027672, MeSH D009386, MONDO:0015356.

Submission:

Ambry Genetics
Classification: Uncertain significance for Hereditary cancer-predisposing syndrome. Last evaluated: 2023-04-28. Review status: criteria provided, single submitter. Criteria: Ambry Variant Classification Scheme 2023. Collection method: clinical testing. Allele origin: germline.
Comment: The p.D339A variant (also known as c.1016A>C), located in coding exon 9 of the POT1 gene, results from an A to C substitution at nucleotide position 1016. The aspartic acid at codon 339 is replaced by alanine, an amino acid with dissimilar properties. This amino acid position is conserved. In addition, this alteration is predicted to be tolerated by in silico analysis. Since supporting evidence is limited at this time, the clinical significance of this alteration remains unclear.